The following is an entry in ClinVar:

NM_001267727.2(ARSG):c.1413_1429del (p.Gly472fs)

Genes: ARSG (arylsulfatase G; plus strand), PRKAR1A (protein kinase cAMP-dependent type I regulatory subunit alpha; plus strand). Cytogenetic location: 17q24.2.
Variant type: Deletion.
Coding change: c.1413_1429del on transcript NM_001267727.2 (MANE Select); coding-DNA positions 1413 to 1429, 17 bases deleted (TGGTGCGGAGTACCAGG).
Protein change: p.Gly472fs; shifts the reading frame from glycine 472.
Molecular consequence: frameshift variant. On other transcripts: intron variant (3).
Genome position (GRCh38, 1-based): chr17:68,420,298-68,420,314, TGGTGCGGAGTACCAGG deleted; deleting any 17 consecutive bases within chr17:68,420,295-68,420,314 gives the same sequence; the c. name uses the placement nearest the transcript's 3' end. VCF-style (leftmost placement, unchanged base first): chr17-68420294-GAGGTGGTGCGGAGTACC-G. GRCh37 (hg19) VCF-style: chr17-66416435-GAGGTGGTGCGGAGTACC-G.
Other names: c.1413_1429del, p.Gly472fs (NM_001352899.2, NM_001352900.2, NM_001352901.2 and 2 more transcripts); c.1410_1426del, p.Gly471fs (NM_001352903.2, NM_001352904.2, NM_001352905.2 and 2 more transcripts); c.1303+18848_1303+18864del (NM_001352910.2); c.1255+18848_1255+18864del (NM_001352909.2); c.-7+6503_-7+6519del (NM_001278433.2); short protein forms G472fs, G471fs.
Identifiers: ClinVar variation 2831948 (VCV002831948.3), dbSNP rs1363782614, ClinGen allele CA774421658.

ClinVar aggregate classification (germline): Uncertain significance (1 of 4 stars; one submission).

Submission:

Labcorp Genetics (formerly Invitae), Labcorp
Classification: Uncertain significance. Last evaluated: 2023-08-04. Review status: criteria provided, single submitter. Criteria: Invitae Variant Classification Sherloc (09022015). Collection method: clinical testing. Allele origin: germline.
Comment: In summary, the available evidence is currently insufficient to determine the role of this variant in disease. Therefore, it has been classified as a Variant of Uncertain Significance. Experimental studies and prediction algorithms are not available or were not evaluated, and the functional significance of this variant is currently unknown. This variant has not been reported in the literature in individuals affected with ARSG-related conditions. This variant is not present in population databases (gnomAD no frequency). This sequence change creates a premature translational stop signal (p.Gly472Cysfs*37) in the ARSG gene. While this is not anticipated to result in nonsense mediated decay, it is expected to disrupt the last 54 amino acid(s) of the ARSG protein.